The following is an entry in ClinVar:

NM_014915.3(ANKRD26):c.3712T>A (p.Ser1238Thr)

Gene: ANKRD26 (ankyrin repeat domain 26; minus strand). Cytogenetic location: 10p12.1.
Variant type: single nucleotide variant.
Coding change: c.3712T>A on transcript NM_014915.3 (MANE Select); coding-DNA position 3712, T replaced by A.
Protein change: p.Ser1238Thr; replaces serine 1238 with threonine.
Molecular consequence: missense variant.
Genome position (GRCh38, 1-based): chr10:27,033,320, A>T on the plus strand (T>A on the coding strand, the complement: ANKRD26 is on the minus strand). VCF-style: chr10-27033320-A-T. GRCh37 (hg19) VCF-style: chr10-27322249-A-T.
Other names: c.3709T>A, p.Ser1237Thr (NM_001256053.2); short protein forms S1238T, S1237T.
Identifiers: ClinVar variation 2397679 (VCV002397679.4), dbSNP rs771916086, ClinGen allele CA5447973.
Genomic context (GRCh38, chr10:27,033,320, plus strand): 5'-CCTGTGTCTCATCTTCTAAATTAATACGATAACGTGACGTAACCTCCAGTGAAGCCTCTG[A>T]CATAGATTGTTTTTTTAGGGTATCAGCTAGTTCTTGTTGAAGTTGTCTCACAACAACCTG-3'
Protein context (NP_055730.2, residues 1228-1248): LADTLKKQSM[Ser1238Thr]EASLEVTSRY

ClinVar aggregate classification (germline): Uncertain significance. Review status: criteria provided, multiple submitters, no conflicts (2 of 4 stars). 2 submissions from 2 submitters: Uncertain significance (2). Last evaluated 2025-04-24.

Conditions:
Inborn genetic diseases. Identifiers: MedGen C0950123, MeSH D030342.
ANKRD26-related disorder. Also called: ANKRD26-related condition.

Allele frequency attached by ClinVar (database versions not stated): TOPMed below 0.00001; ExAC 0.00002.
gnomAD v4.1: 34 of 1,612,596 alleles (0.0021%); highest among the groups gnomAD compares: Non-Finnish European, 0.0028%; no homozygotes.

Submissions (2):

PreventionGenetics, part of Exact Sciences
Classification: Uncertain significance for ANKRD26-related condition. Last evaluated: 2025-04-24. Review status: criteria provided, single submitter. Criteria: ACMG Guidelines, 2015. Collection method: clinical testing. Allele origin: germline.
Comment: The ANKRD26 c.3712T>A variant is predicted to result in the amino acid substitution p.Ser1238Thr. To our knowledge, this variant has not been reported in the literature. This variant is reported in 0.0027% of alleles in individuals of European (Non-Finnish) descent in gnomAD. At this time, the clinical significance of this variant is uncertain due to the absence of conclusive functional and genetic evidence.

Ambry Genetics
Classification: Uncertain significance for Inborn genetic diseases. Last evaluated: 2025-01-09. Review status: criteria provided, single submitter. Criteria: Ambry Variant Classification Scheme 2023. Collection method: clinical testing. Allele origin: germline.
Comment: The p.S1238T variant (also known as c.3712T>A), located in coding exon 25 of the ANKRD26 gene, results from a T to A substitution at nucleotide position 3712. The serine at codon 1238 is replaced by threonine, an amino acid with similar properties. This amino acid position is conserved. In addition, this alteration is predicted to be tolerated by in silico analysis. Based on the available evidence, the clinical significance of this variant remains unclear.